The following is an entry in ClinVar:

NM_003239.5(TGFB3):c.541G>A (p.Ala181Thr)

Gene: TGFB3 (transforming growth factor beta 3; minus strand). Cytogenetic location: 14q24.3.
Variant type: single nucleotide variant.
Coding change: c.541G>A on transcript NM_003239.5 (MANE Select); coding-DNA position 541, G replaced by A.
Protein change: p.Ala181Thr; replaces alanine 181 with threonine.
Molecular consequence: missense variant.
Genome position (GRCh38, 1-based): chr14:75,971,231, C>T on the plus strand (G>A on the coding strand, the complement: TGFB3 is on the minus strand). VCF-style: chr14-75971231-C-T. GRCh37 (hg19) VCF-style: chr14-76437574-C-T.
Other names: c.541G>A, p.Ala181Thr (NM_001329938.2, NM_001329939.2); short protein forms A181T.
Identifiers: ClinVar variation 4759482 (VCV004759482.1).

ClinVar aggregate classification (germline): Uncertain significance (1 of 4 stars; one submission).

Conditions:
Rienhoff syndrome. Also called: LOEYS-DIETZ SYNDROME 5. Identifiers: MedGen C3810012, MONDO:0014262, OMIM 615582.

gnomAD v4.1: 3 of 1,614,178 alleles (0.00019%); no homozygotes.

Submission:

Illumina Laboratory Services, Illumina
Classification: Uncertain significance for Rienhoff syndrome. Last evaluated: 2024-03-22. Review status: criteria provided, single submitter. Criteria: ISL SNV Classification Criteria 03 February 2026. Collection method: clinical testing. Allele origin: unknown.
Comment: The TGFB3 c.541G>A p.(Ala181Thr) missense variant has not, to our knowledge, been reported in the peer-reviewed literature. This variant is reported in the Genome Aggregation Database in three alleles at a frequency of 0.000050 in the Remaining population (version 4.0.0). Based on the available evidence, the c.541G>A p.(Ala181Thr) variant is classified as a variant of uncertain significance for Loeys-Dietz syndrome.